The following is an entry in ClinVar:

NM_001287.6(CLCN7):c.739-41_747del

Gene: CLCN7 (chloride voltage-gated channel 7; minus strand). Cytogenetic location: 16p13.3.
Variant type: Deletion.
Coding change: c.739-41_747del on transcript NM_001287.6 (MANE Select); 41 bases into the intron before coding-DNA position 739 through coding-DNA position 747, 50 bases deleted.
Molecular consequence: splice acceptor variant.
Genome position (GRCh38, 1-based): chr16:1,457,329-1,457,378, 50 bases deleted; deleting any 50 consecutive bases within chr16:1,457,329-1,457,406 gives the same sequence; the c. name uses the placement nearest the transcript's 3' end. GRCh37 (hg19): chr16:1,507,358-1,507,407.
Other names: c.667-41_675del (NM_001114331.3).
Identifiers: ClinVar variation 2157265 (VCV002157265.3), dbSNP rs759935826, ClinGen allele CA7810583.

ClinVar aggregate classification (germline): Uncertain significance (1 of 4 stars; one submission).

Submission:

Labcorp Genetics (formerly Invitae), Labcorp
Classification: Uncertain significance. Last evaluated: 2025-06-22. Review status: criteria provided, single submitter. Criteria: Invitae Variant Classification Sherloc (09022015). Collection method: clinical testing. Allele origin: germline.
Comment: This sequence change falls in intron 8 of the CLCN7 gene. It does not directly change the encoded amino acid sequence of the CLCN7 protein. The frequency data for this variant in the population databases is considered unreliable, as metrics indicate poor data quality at this position in the gnomAD database. This variant has not been reported in the literature in individuals affected with CLCN7-related conditions. This variant is also known as c.739-41_747del. ClinVar contains an entry for this variant (Variation ID: 2157265). Experimental studies and prediction algorithms are not available or were not evaluated, and the effect of this variant on mRNA splicing is currently unknown. In summary, the available evidence is currently insufficient to determine the role of this variant in disease. Therefore, it has been classified as a Variant of Uncertain Significance.